The following is an entry in ClinVar:

NM_001042492.3(NF1):c.4010_4011insTTCG (p.Asn1338fs)

Gene: NF1 (neurofibromin 1; plus strand). Cytogenetic location: 17q11.2.
Variant type: Insertion.
Coding change: c.4010_4011insTTCG on transcript NM_001042492.3 (MANE Select); coding-DNA positions 4010 to 4011, TTCG inserted.
Protein change: p.Asn1338fs; shifts the reading frame from asparagine 1338.
Molecular consequence: frameshift variant.
Genome position: GRCh38 VCF-style: chr17-31249017-G-GCGTT. GRCh37 (hg19) VCF-style: chr17-29576035-G-GCGTT.
Other names: c.4010_4011insTTCG, p.Asn1338Serfs (NM_000267.4); short protein forms N1338fs.
Identifiers: ClinVar variation 2704099 (VCV002704099.3), dbSNP rs2508351292, ClinGen allele CA2697559770.
Genomic context (GRCh38, chr17:31,249,017, plus strand): 5'-TAGGATTTTATTTTTATTTTTTTGTAGGTTAGAACCATCAGAGAGCCTTGAGGAAAACCA[G>GCGTT]CGGAACCTCCTTCAGATGACTGAAAAGTTCTTCCATGCCATCATCAGTTCCTCCTCAGAA-3'

ClinVar aggregate classification (germline): Pathogenic (1 of 4 stars; one submission).

Conditions:
Neurofibromatosis, type 1 (NF1). Also called: Peripheral type neurofibromatosis; VON RECKLINGHAUSEN DISEASE; NEUROFIBROMATOSIS, TYPE I, SOMATIC; Neurofibromatosis, type I. Identifiers: Orphanet 636, MedGen C0027831, MONDO:0018975, OMIM 162200. Disease mechanism: loss of function.

Submission:

Labcorp Genetics (formerly Invitae), Labcorp
Classification: Pathogenic for Neurofibromatosis, type 1. Last evaluated: 2023-12-19. Review status: criteria provided, single submitter. Criteria: Invitae Variant Classification Sherloc (09022015). Collection method: clinical testing. Allele origin: germline.
Comment: This sequence change creates a premature translational stop signal (p.Asn1338Serfs*8) in the NF1 gene. It is expected to result in an absent or disrupted protein product. Loss-of-function variants in NF1 are known to be pathogenic (PMID: 10712197, 23913538). This variant is not present in population databases (gnomAD no frequency). This variant has not been reported in the literature in individuals affected with NF1-related conditions. For these reasons, this variant has been classified as Pathogenic.

Literature cited by the submitters: PubMed 10712197; PubMed 23913538.